The following is an entry in ClinVar:

NM_001453.3(FOXC1):c.327G>A (p.Met109Ile)

Genes: FOXC1 (forkhead box C1; plus strand), LOC129995601 (ATAC-STARR-seq lymphoblastoid active region 23864; plus strand). Cytogenetic location: 6p25.3.
Variant type: single nucleotide variant.
Coding change: c.327G>A on transcript NM_001453.3 (MANE Select); coding-DNA position 327, G replaced by A.
Protein change: p.Met109Ile; replaces methionine 109 with isoleucine.
Molecular consequence: missense variant.
Genome position (GRCh38, 1-based): chr6:1,610,772, G>A. VCF-style: chr6-1610772-G-A. GRCh37 (hg19) VCF-style: chr6-1611007-G-A.
Other names: short protein forms M109I.
Identifiers: ClinVar variation 1365829 (VCV001365829.6), dbSNP rs748064350, ClinGen allele CA3614738.

ClinVar aggregate classification (germline): Uncertain significance (1 of 4 stars; one submission).

Conditions:
Axenfeld-Rieger syndrome type 3 (RIEG3). Also called: AXENFELD-RIEGER ANOMALY WITH CARDIAC DEFECTS AND/OR SENSORINEURAL HEARING LOSS. Identifiers: Orphanet 782, MedGen C2678503, MONDO:0011233, OMIM 602482.

Allele frequency attached by ClinVar (database versions not stated): gnomAD exomes below 0.00001; ExAC 0.00001.

Submission:

Labcorp Genetics (formerly Invitae), Labcorp
Classification: Uncertain significance for Axenfeld-Rieger syndrome type 3. Last evaluated: 2022-06-20. Review status: criteria provided, single submitter. Criteria: Invitae Variant Classification Sherloc (09022015). Collection method: clinical testing. Allele origin: germline.
Comment: In summary, the available evidence is currently insufficient to determine the role of this variant in disease. Therefore, it has been classified as a Variant of Uncertain Significance. This variant is present in population databases (rs748064350, gnomAD 0.0009%). This variant has not been reported in the literature in individuals affected with FOXC1-related conditions. Algorithms developed to predict the effect of missense changes on protein structure and function are either unavailable or do not agree on the potential impact of this missense change (SIFT: "Deleterious"; PolyPhen-2: "Probably Damaging"; Align-GVGD: "Class C0"). This sequence change replaces methionine, which is neutral and non-polar, with isoleucine, which is neutral and non-polar, at codon 109 of the FOXC1 protein (p.Met109Ile).